The following is an entry in ClinVar:

NM_004104.5(FASN):c.6155G>C (p.Gly2052Ala)

Gene: FASN (fatty acid synthase; minus strand). Cytogenetic location: 17q25.3.
Variant type: single nucleotide variant.
Coding change: c.6155G>C on transcript NM_004104.5 (MANE Select); coding-DNA position 6155, G replaced by C.
Protein change: p.Gly2052Ala; replaces glycine 2052 with alanine.
Molecular consequence: missense variant.
Genome position (GRCh38, 1-based): chr17:82,082,017, C>G on the plus strand (G>C on the coding strand, the complement: FASN is on the minus strand). VCF-style: chr17-82082017-C-G. GRCh37 (hg19) VCF-style: chr17-80039893-C-G.
Other names: short protein forms G2052A.
Identifiers: ClinVar variation 574423 (VCV000574423.13), dbSNP rs780846548, ClinGen allele CA8851418.

ClinVar aggregate classification (germline): Uncertain significance. Review status: criteria provided, multiple submitters, no conflicts (2 of 4 stars). 2 submissions from 2 submitters: Uncertain significance (2). Last evaluated 2025-10-06.

Conditions:
Epileptic encephalopathy. Identifiers: MedGen C0543888, HP:0200134.

Allele frequency attached by ClinVar (database versions not stated): ExAC 0.00016; TOPMed 0.00023; gnomAD 0.00026 and 0.00028; gnomAD exomes 0.00015.
gnomAD v4.1: 365 of 1,608,244 alleles (0.023%); highest among the groups gnomAD compares: Non-Finnish European, 0.028%; no homozygotes.

Submissions (2):

Labcorp Genetics (formerly Invitae), Labcorp
Classification: Uncertain significance for Epileptic encephalopathy. Last evaluated: 2025-10-06. Review status: criteria provided, single submitter. Criteria: Invitae Variant Classification Sherloc (09022015). Collection method: clinical testing. Allele origin: germline.
Comment: This sequence change replaces glycine, which is neutral and non-polar, with alanine, which is neutral and non-polar, at codon 2052 of the FASN protein (p.Gly2052Ala). This variant is present in population databases (rs780846548, gnomAD 0.03%). This variant has not been reported in the literature in individuals affected with FASN-related conditions. ClinVar contains an entry for this variant (Variation ID: 574423). An algorithm developed to predict the effect of missense changes on protein structure and function (PolyPhen-2) suggests that this variant is likely to be disruptive. In summary, the available evidence is currently insufficient to determine the role of this variant in disease. Therefore, it has been classified as a Variant of Uncertain Significance.

Ambry Genetics
Classification: Uncertain significance. Last evaluated: 2025-03-06. Review status: criteria provided, single submitter. Criteria: Ambry Variant Classification Scheme 2023. Collection method: clinical testing. Allele origin: germline.